The following is an entry in ClinVar:

ClinVar aggregate classification (germline): Pathogenic (1 of 4 stars; one submission).

Conditions:
Autosomal recessive congenital ichthyosis 1 (LI1). Also called: ICHTHYOSIS, CONGENITAL, AUTOSOMAL RECESSIVE 1, WITH BATHING SUIT DISTRIBUTION; ICHTHYOSIS, CONGENITAL, AUTOSOMAL RECESSIVE 1, WITH OR WITHOUT BATHING SUIT DISTRIBUTION; COLLODION FETUS; DESQUAMATION OF NEWBORN; ICHTHYOSIS CONGENITA; ICHTHYOSIS CONGENITA II. Identifiers: MedGen C4551630, MONDO:0009441, OMIM 242300.

Submission:

Myriad Genetics, Inc.
Classification: Pathogenic for Autosomal recessive congenital ichthyosis 1. Last evaluated: 2025-10-06. Review status: criteria provided, single submitter. Criteria: Myriad Autosomal Dominant, Autosomal Recessive and X-Linked Classification Criteria (2023). Collection method: clinical testing. Allele origin: unknown.
Comment: NM_000359.2(TGM1):c.718dupC(R240Pfs*3) is a frameshift variant classified as pathogenic in the context of TGM1-related autosomal recessive congenital ichthyosis. R240Pfs*3 has not been observed in cases with relevant disease. Relevant functional assessments of this variant are not available in the literature. R240Pfs*3 has not been observed in referenced population frequency databases. In summary, NM_000359.2(TGM1):c.718dupC(R240Pfs*3) is a frameshift variant in a gene where loss of function is a known mechanism of disease and is predicted to disrupt protein function. Please note: this variant was assessed in the context of healthy population screening.

NM_000359.3(TGM1):c.718dup (p.Arg240fs)

Gene: TGM1 (transglutaminase 1; minus strand). Cytogenetic location: 14q12.
Variant type: Duplication.
Coding change: c.718dup on transcript NM_000359.3 (MANE Select); coding-DNA position 718, one base duplicated (C; older notation c.718dupC).
Protein change: p.Arg240fs; shifts the reading frame from arginine 240.
Molecular consequence: frameshift variant.
Genome position (GRCh38, 1-based): chr14:24,260,489, G duplicated on the plus strand (C on the coding strand, the reverse complement: TGM1 is on the minus strand); the first of 5 consecutive G bases (chr14:24,260,489-24,260,493); duplicating any one gives the same sequence. VCF-style (leftmost placement, unchanged base first): chr14-24260488-C-CG. GRCh37 (hg19) VCF-style: chr14-24729694-C-CG.
Other names: short protein forms R240fs.
Identifiers: ClinVar variation 5003595 (VCV005003595.1).